The following is an entry in ClinVar:

NM_001297.5(CNGB1):c.3437C>A (p.Ala1146Glu)

Gene: CNGB1 (cyclic nucleotide gated channel subunit beta 1; minus strand). Cytogenetic location: 16q21.
Variant type: single nucleotide variant.
Coding change: c.3437C>A on transcript NM_001297.5 (MANE Select); coding-DNA position 3437, C replaced by A.
Protein change: p.Ala1146Glu; replaces alanine 1146 with glutamic acid.
Molecular consequence: missense variant.
Genome position (GRCh38, 1-based): chr16:57,887,880, G>T on the plus strand (C>A on the coding strand, the complement: CNGB1 is on the minus strand). VCF-style: chr16-57887880-G-T. GRCh37 (hg19) VCF-style: chr16-57921784-G-T.
Other names: c.3437C>A (NM_001297.4); c.3419C>A, p.Ala1140Glu (NM_001286130.2); short protein forms A1140E, A1146E.
Identifiers: ClinVar variation 1369566 (VCV001369566.8), dbSNP rs1296087515, ClinGen allele CA396061831.

ClinVar aggregate classification (germline): Uncertain significance. Review status: criteria provided, multiple submitters, no conflicts (2 of 4 stars). 3 submissions from 3 submitters: Uncertain significance (3). Last evaluated 2024-02-19.

Conditions:
Inborn genetic diseases. Identifiers: MedGen C0950123, MeSH D030342.

Allele frequency attached by ClinVar (database versions not stated): gnomAD exomes 0.00001; TOPMed 0.00001; gnomAD 0.00002.
gnomAD v4.1: 11 of 1,614,042 alleles (0.00068%); highest among the groups gnomAD compares: African/African-American, 0.011%; no homozygotes.

Submissions (3):

Labcorp Genetics (formerly Invitae), Labcorp
Classification: Uncertain significance. Last evaluated: 2024-02-19. Review status: criteria provided, single submitter. Criteria: Invitae Variant Classification Sherloc (09022015). Collection method: clinical testing. Allele origin: germline.
Comment: This sequence change replaces alanine, which is neutral and non-polar, with glutamic acid, which is acidic and polar, at codon 1146 of the CNGB1 protein (p.Ala1146Glu). This variant is present in population databases (no rsID available, gnomAD 0.003%). This variant has not been reported in the literature in individuals affected with CNGB1-related conditions. ClinVar contains an entry for this variant (Variation ID: 1369566). Advanced modeling of protein sequence and biophysical properties (such as structural, functional, and spatial information, amino acid conservation, physicochemical variation, residue mobility, and thermodynamic stability) performed at Invitae indicates that this missense variant is not expected to disrupt CNGB1 protein function with a negative predictive value of 80%. In summary, the available evidence is currently insufficient to determine the role of this variant in disease. Therefore, it has been classified as a Variant of Uncertain Significance.

Blueprint Genetics
Classification: Uncertain significance. Last evaluated: 2023-02-28. Review status: criteria provided, single submitter. Criteria: ACMG Guidelines, 2015. Collection method: clinical testing. Allele origin: germline.

Ambry Genetics
Classification: Uncertain significance for Inborn genetic diseases. Last evaluated: 2021-06-23. Review status: criteria provided, single submitter. Criteria: Ambry Variant Classification Scheme 2023. Collection method: clinical testing. Allele origin: germline.